The following is an entry in ClinVar:

NM_017780.4(CHD7):c.1807_1808del (p.Asn603fs)

Genes: CHD7 (chromodomain helicase DNA binding protein 7; plus strand), LOC126860403 (CDK7 strongly-dependent group 2 enhancer GRCh37_chr8:61693034-61694233; plus strand). Cytogenetic location: 8q12.2.
Variant type: Deletion.
Coding change: c.1807_1808del on transcript NM_017780.4 (MANE Select); coding-DNA positions 1807 to 1808, 2 bases deleted (AA; older notation c.1807_1808delAA).
Protein change: p.Asn603fs; shifts the reading frame from asparagine 603.
Molecular consequence: frameshift variant. On other transcripts: intron variant (1).
Genome position (GRCh38, 1-based): chr8:60,781,141-60,781,142, AA deleted; deleting any 2 consecutive bases within chr8:60,781,138-60,781,142 gives the same sequence; the c. name uses the placement nearest the transcript's 3' end. VCF-style (leftmost placement, unchanged base first): chr8-60781137-GAA-G. GRCh37 (hg19) VCF-style: chr8-61693696-GAA-G.
Other names: c.1716+91_1716+92del (NM_001316690.1); short protein forms N603fs.
Identifiers: ClinVar variation 3362883 (VCV003362883.2).

ClinVar aggregate classification (germline): Pathogenic (1 of 4 stars; one submission).

Conditions:
CHARGE syndrome (CHARGE). Also called: Hittner Hirsch Kreh syndrome; CHARGE ASSOCIATION--COLOBOMA, HEART ANOMALY, CHOANAL ATRESIA, RETARDATION, GENITAL AND EAR ANOMALIES; Coloboma, heart anomaly, choanal atresia, retardation, genital and ear anomalies; CHARGE association; Hall-Hittner syndrome. Identifiers: Orphanet 138, MedGen C0265354, MONDO:0008965.

Submission:

Molecular Genetics Laboratory, Motol Hospital
Classification: Pathogenic for CHD7-related CHARGE syndrome. Last evaluated: 2024-10-11. Review status: criteria provided, single submitter. Criteria: ACMG Guidelines, 2015. Collection method: clinical testing. Allele origin: germline. Affected: yes. Observed: 1 variant allele.
Comment: The truncating variant is predicted to cause haploinsufficiency of the CHD7 gene which is the most likely mechanism leading to the clinical manifestation of CHARGE syndrome.

Literature cited by the submitters: PubMed 19021638; PubMed 10590394; PubMed 6489378; PubMed 16400610.